The following is an entry in ClinVar:

ClinVar aggregate classification (germline): Uncertain significance (1 of 4 stars; one submission).

Conditions:
Giant axonal neuropathy 1 (GAN1). Also called: GAN-Related Neurodegeneration; GIANT AXONAL NEUROPATHY 1, AUTOSOMAL RECESSIVE. Identifiers: Orphanet 643, MedGen C1850386, MONDO:0009749, OMIM 256850.

Allele frequency attached by ClinVar (database versions not stated): gnomAD 0.00001 and 0.00002; ExAC 0.00003; TOPMed 0.00004; 1000 Genomes Project 30x 0.00031; 1000 Genomes Project 0.00040.
gnomAD v4.1: 8 of 1,614,174 alleles (0.0005%); highest among the groups gnomAD compares: Admixed American, 0.0067%; no homozygotes.

Submission:

Labcorp Genetics (formerly Invitae), Labcorp
Classification: Uncertain significance for Giant axonal neuropathy 1. Last evaluated: 2023-12-11. Review status: criteria provided, single submitter. Criteria: Invitae Variant Classification Sherloc (09022015). Collection method: clinical testing. Allele origin: germline.
Comment: This sequence change replaces alanine, which is neutral and non-polar, with proline, which is neutral and non-polar, at codon 572 of the GAN protein (p.Ala572Pro). This variant is present in population databases (rs554430005, gnomAD 0.01%). This variant has not been reported in the literature in individuals affected with GAN-related conditions. ClinVar contains an entry for this variant (Variation ID: 840378). An algorithm developed to predict the effect of missense changes on protein structure and function (PolyPhen-2) suggests that this variant is likely to be disruptive. In summary, the available evidence is currently insufficient to determine the role of this variant in disease. Therefore, it has been classified as a Variant of Uncertain Significance.

NM_022041.4(GAN):c.1714G>C (p.Ala572Pro)

Gene: GAN (gigaxonin; plus strand). Cytogenetic location: 16q23.2.
Variant type: single nucleotide variant.
Coding change: c.1714G>C on transcript NM_022041.4 (MANE Select); coding-DNA position 1714, G replaced by C.
Protein change: p.Ala572Pro; replaces alanine 572 with proline.
Molecular consequence: missense variant.
Genome position (GRCh38, 1-based): chr16:81,377,516, G>C. VCF-style: chr16-81377516-G-C. GRCh37 (hg19) VCF-style: chr16-81411121-G-C.
Other names: c.1075G>C, p.Ala359Pro (NM_001377486.1); short protein forms A359P, A572P.
Identifiers: ClinVar variation 840378 (VCV000840378.8), dbSNP rs554430005, ClinGen allele CA8191866.